The following is an entry in ClinVar:

NM_000702.4(ATP1A2):c.1471C>A (p.His491Asn)

Gene: ATP1A2 (ATPase Na+/K+ transporting subunit alpha 2; plus strand). Cytogenetic location: 1q23.2.
Variant type: single nucleotide variant.
Coding change: c.1471C>A on transcript NM_000702.4 (MANE Select); coding-DNA position 1471, C replaced by A.
Protein change: p.His491Asn; replaces histidine 491 with asparagine.
Molecular consequence: missense variant.
Genome position (GRCh38, 1-based): chr1:160,130,111, C>A. VCF-style: chr1-160130111-C-A. GRCh37 (hg19) VCF-style: chr1-160099901-C-A.
Other names: c.1471C>A (NM_000702.3); short protein forms H491N.
Identifiers: ClinVar variation 1007384 (VCV001007384.10), dbSNP rs747333323, ClinGen allele CA1194500.

ClinVar aggregate classification (germline): Uncertain significance. Review status: criteria provided, multiple submitters, no conflicts (2 of 4 stars). 2 submissions from 2 submitters: Uncertain significance (2). Last evaluated 2023-10-16.

Conditions:
Familial hemiplegic migraine. Identifiers: MedGen C0338484, MONDO:0000700.

Allele frequency attached by ClinVar (database versions not stated): gnomAD exomes below 0.00001; ExAC 0.00001.
gnomAD v4.1: 1 of 1,614,222 alleles (0.000062%); highest among the groups gnomAD compares: Admixed American, 0.0017%; no homozygotes.

Submissions (2):

GeneDx
Classification: Uncertain significance. Last evaluated: 2023-10-16. Review status: criteria provided, single submitter. Criteria: GeneDx Variant Classification Process June 2021. Collection method: clinical testing. Allele origin: germline. Affected: yes.
Comment: Not observed at significant frequency in large population cohorts (gnomAD); In silico analysis supports that this missense variant has a deleterious effect on protein structure/function; Has not been previously published as pathogenic or benign to our knowledge; This variant is associated with the following publications: (PMID: 18184292)

Labcorp Genetics (formerly Invitae), Labcorp
Classification: Uncertain significance for Familial hemiplegic migraine. Last evaluated: 2023-09-13. Review status: criteria provided, single submitter. Criteria: Invitae Variant Classification Sherloc (09022015). Collection method: clinical testing. Allele origin: germline.
Comment: In summary, the available evidence is currently insufficient to determine the role of this variant in disease. Therefore, it has been classified as a Variant of Uncertain Significance. Advanced modeling of protein sequence and biophysical properties (such as structural, functional, and spatial information, amino acid conservation, physicochemical variation, residue mobility, and thermodynamic stability) performed at Invitae indicates that this missense variant is not expected to disrupt ATP1A2 protein function. ClinVar contains an entry for this variant (Variation ID: 1007384). This variant has not been reported in the literature in individuals affected with ATP1A2-related conditions. This variant is present in population databases (rs747333323, gnomAD 0.003%). This sequence change replaces histidine, which is basic and polar, with asparagine, which is neutral and polar, at codon 491 of the ATP1A2 protein (p.His491Asn).